The following is an entry in ClinVar:

ClinVar aggregate classification (germline): Uncertain significance (1 of 4 stars; one submission).

gnomAD v4.1: 3 of 1,613,688 alleles (0.00019%); highest among the groups gnomAD compares: Non-Finnish European, 0.00017%; no homozygotes.

Submission:

Labcorp Genetics (formerly Invitae), Labcorp
Classification: Uncertain significance. Last evaluated: 2025-10-13. Review status: criteria provided, single submitter. Criteria: Invitae Variant Classification Sherloc (09022015). Collection method: clinical testing. Allele origin: germline.
Comment: This sequence change replaces glycine, which is neutral and non-polar, with serine, which is neutral and polar, at codon 279 of the AARS2 protein (p.Gly279Ser). This variant is present in population databases (rs752162906, gnomAD 0.0009%). This variant has not been reported in the literature in individuals affected with AARS2-related conditions. Invitae Evidence Modeling of protein sequence and biophysical properties (such as structural, functional, and spatial information, amino acid conservation, physicochemical variation, residue mobility, and thermodynamic stability) indicates that this missense variant is not expected to disrupt AARS2 protein function with a negative predictive value of 80%. In summary, the available evidence is currently insufficient to determine the role of this variant in disease. Therefore, it has been classified as a Variant of Uncertain Significance.

NM_020745.4(AARS2):c.835G>A (p.Gly279Ser)

Gene: AARS2 (alanyl-tRNA synthetase 2, mitochondrial; minus strand). Cytogenetic location: 6p21.1.
Variant type: single nucleotide variant.
Coding change: c.835G>A on transcript NM_020745.4 (MANE Select); coding-DNA position 835, G replaced by A.
Protein change: p.Gly279Ser; replaces glycine 279 with serine.
Molecular consequence: missense variant.
Genome position (GRCh38, 1-based): chr6:44,310,358, C>T on the plus strand (G>A on the coding strand, the complement: AARS2 is on the minus strand). VCF-style: chr6-44310358-C-T. GRCh37 (hg19) VCF-style: chr6-44278095-C-T.
Other names: short protein forms G279S.
Identifiers: ClinVar variation 4696472 (VCV004696472.1).